The following is an entry in ClinVar:

NM_032888.4(COL27A1):c.584G>T (p.Gly195Val)

Gene: COL27A1 (collagen type XXVII alpha 1 chain; plus strand). Cytogenetic location: 9q32.
Variant type: single nucleotide variant.
Coding change: c.584G>T on transcript NM_032888.4 (MANE Select); coding-DNA position 584, G replaced by T.
Protein change: p.Gly195Val; replaces glycine 195 with valine.
Molecular consequence: missense variant.
Genome position (GRCh38, 1-based): chr9:114,168,139, G>T. VCF-style: chr9-114168139-G-T. GRCh37 (hg19) VCF-style: chr9-116930419-G-T.
Other names: short protein forms G195V.
Identifiers: ClinVar variation 2417389 (VCV002417389.3), dbSNP rs770478168, ClinGen allele CA5201185.

ClinVar aggregate classification (germline): Uncertain significance (1 of 4 stars; one submission).

Allele frequency attached by ClinVar (database versions not stated): ExAC 0.00001; gnomAD 0.00001; TOPMed 0.00003.
gnomAD v4.1: 8 of 1,612,988 alleles (0.0005%); highest among the groups gnomAD compares: Admixed American, 0.01%; no homozygotes.

Submission:

Labcorp Genetics (formerly Invitae), Labcorp
Classification: Uncertain significance. Last evaluated: 2022-06-16. Review status: criteria provided, single submitter. Criteria: Invitae Variant Classification Sherloc (09022015). Collection method: clinical testing. Allele origin: germline.
Comment: This sequence change replaces glycine, which is neutral and non-polar, with valine, which is neutral and non-polar, at codon 195 of the COL27A1 protein (p.Gly195Val). This variant is present in population databases (rs770478168, gnomAD 0.02%). This variant has not been reported in the literature in individuals affected with COL27A1-related conditions. Advanced modeling of protein sequence and biophysical properties (such as structural, functional, and spatial information, amino acid conservation, physicochemical variation, residue mobility, and thermodynamic stability) performed at Invitae indicates that this missense variant is not expected to disrupt COL27A1 protein function. In summary, the available evidence is currently insufficient to determine the role of this variant in disease. Therefore, it has been classified as a Variant of Uncertain Significance.